The following is an entry in ClinVar:

NC_000009.11:g.(?_6606572)_(6645499_?)del

Gene: GLDC (glycine decarboxylase; minus strand). Cytogenetic location: 9p24.1.
Variant type: Deletion.
Identifiers: ClinVar variation 3245143 (VCV003245143.1).

ClinVar aggregate classification (germline): Pathogenic (1 of 4 stars; one submission).

Conditions:
Glycine encephalopathy. Also called: Nonketotic hyperglycinemia; Non-ketotic hyperglycinemia. Identifiers: Orphanet 407, MedGen C0751748, MONDO:0011612, HP:0008288.

Submission:

Labcorp Genetics (formerly Invitae), Labcorp
Classification: Pathogenic for Glycine encephalopathy. Last evaluated: 2023-07-25. Review status: criteria provided, single submitter. Criteria: Invitae Variant Classification Sherloc (09022015). Collection method: clinical testing. Allele origin: unknown.
Comment: For these reasons, this variant has been classified as Pathogenic. A similar copy number variant has been observed in individual(s) with classic nonketotic hyperglycinemia (PMID: 27362913). This variant is a gross deletion of the genomic region encompassing exon(s) 1-5 of the GLDC gene, which includes the initiator codon. This deletion extends beyond the assayed region for this gene and therefore may encompass additional genes. It is expected to result in an absent or disrupted protein product. Loss-of-function variants in GLDC are known to be pathogenic (PMID: 16601880).

Literature cited by the submitters: PubMed 27362913; PubMed 16601880.